The following is an entry in ClinVar:

NM_000545.8(HNF1A):c.-119del

Gene: HNF1A (HNF1 homeobox A; plus strand). Cytogenetic location: 12q24.31.
Variant type: Deletion.
Coding change: c.-119del on transcript NM_000545.8 (MANE Select); 119 bases upstream of the start codon, one base deleted (G; older notation c.-119delG).
Molecular consequence: 5 prime UTR variant.
Genome position (GRCh38, 1-based): chr12:120,978,650, G deleted; the last of 7 consecutive G bases (chr12:120,978,644-120,978,650); deleting any one gives the same sequence. VCF-style (leftmost placement, unchanged base first): chr12-120978643-TG-T. GRCh37 (hg19) VCF-style: chr12-121416446-TG-T.
Other names: NM_001306179.2:c.-119del; c.-119del (NM_001306179.2).
Identifiers: ClinVar variation 14936 (VCV000014936.15), dbSNP rs754470733, ClinGen allele CA6831605.

ClinVar aggregate classification (germline): Uncertain significance. Review status: reviewed by expert panel (3 of 4 stars). 3 submissions from 3 submitters: Uncertain significance (1). 2 of the submissions do not count toward it. Last evaluated 2026-10-26.

Conditions:
Monogenic diabetes. Identifiers: Orphanet 183625, MedGen C3888631, MONDO:0015967.
Maturity-onset diabetes of the young type 3. Also called: MODY type 3; MODY, type III. Identifiers: Orphanet 552, MedGen C1838100, MeSH C563933, MONDO:0010894, OMIM 600496. Disease mechanism: loss of function.

Submissions (3):

ClinGen Monogenic Diabetes Variant Curation Expert Panel
Classification: Uncertain significance for Monogenic diabetes. Last evaluated: 2026-10-26. Review status: reviewed by expert panel. Criteria: ClinGen Diabetes ACMG Specifications HNF1A V3.1.0. Collection method: curation. Allele origin: germline. Inheritance: Autosomal dominant inheritance.
Comment: The c.-119del variant in the HNF1 homeobox A gene, HNF1A, results in the deletion of a single nucleotide within the promotor region of NM_000545.8. This variant has a gnomAD v4.1.2 Grpmax filtering allele frequency of 0.00000263, which is below the ClinGen MDEP threshold of 0.000003 (PM2_Supporting). This variant was identified in a family with an alternate molecular basis for disease (BP5; PMID: 10649494; internal lab contributors). While this variant segregated with diabetes with three informative meioses in a single family; this family was ultimately found to have a pathogenic variant in GCK that segregated with hyperglycemia in 5 individiuals of the family over 4 generations (PMID: 10649494). In summary, c.-119del meets the criteria to be classified as a variant of uncertain significance for monogenic diabetes. ACMG/AMP criteria applied, as specified by the ClinGen MDEP (specification version 3.1.0, approved 10/10/2025): PM2_Supporting, BP5.

CeGaT Center for Human Genetics Tuebingen
Classification: Uncertain significance. Last evaluated: 2025-01-01. Review status: criteria provided, single submitter. Criteria: CeGaT Center For Human Genetics Tuebingen Variant Classification Criteria Version 2. Collection method: clinical testing. Allele origin: germline. Affected: yes. Observed: 1 variant allele. Not counted in ClinVar's aggregate classification.
Comment: HNF1A: PM2

OMIM
Classification: Pathogenic for MATURITY-ONSET DIABETES OF THE YOUNG, TYPE 3. Last evaluated: 2000-01-01. Review status: no assertion criteria provided. Collection method: literature only. Allele origin: germline. Not counted in ClinVar's aggregate classification.

Literature cited by the submitters: PubMed 10649494 (cited by ClinGen Monogenic Diabetes Variant Curation Expert Panel and OMIM).